The following is an entry in ClinVar:

ClinVar aggregate classification (germline): Uncertain significance (1 of 4 stars; one submission).

Conditions:
Congenital myasthenic syndrome 8. Also called: MYASTHENIC SYNDROME, CONGENITAL, DUE TO AGRIN DEFICIENCY; Myasthenic syndrome, congenital, 8, with pre- and postsynaptic defects. Identifiers: Orphanet 590, MedGen C3808739, MONDO:0014052, OMIM 615120.

Allele frequency attached by ClinVar (database versions not stated): TOPMed 0.00002; gnomAD 0.00001 and 0.00002.
gnomAD v4.1: 29 of 1,613,340 alleles (0.0018%); highest among the groups gnomAD compares: East Asian, 0.011%; no homozygotes.

Submission:

Labcorp Genetics (formerly Invitae), Labcorp
Classification: Uncertain significance for Congenital myasthenic syndrome 8. Last evaluated: 2026-01-19. Review status: criteria provided, single submitter. Criteria: Invitae Variant Classification Sherloc (09022015). Collection method: clinical testing. Allele origin: germline.
Comment: This sequence change replaces proline, which is neutral and non-polar, with leucine, which is neutral and non-polar, at codon 968 of the AGRN protein (p.Pro968Leu). This variant is present in population databases (rs772386655, gnomAD 0.006%). This variant has not been reported in the literature in individuals affected with AGRN-related conditions. ClinVar contains an entry for this variant (Variation ID: 650436). An algorithm developed to predict the effect of missense changes on protein structure and function (PolyPhen-2) suggests that this variant is likely to be disruptive. In summary, the available evidence is currently insufficient to determine the role of this variant in disease. Therefore, it has been classified as a Variant of Uncertain Significance.

NM_198576.4(AGRN):c.2903C>T (p.Pro968Leu)

Gene: AGRN (agrin; plus strand). Cytogenetic location: 1p36.33.
Variant type: single nucleotide variant.
Coding change: c.2903C>T on transcript NM_198576.4 (MANE Select); coding-DNA position 2903, C replaced by T.
Protein change: p.Pro968Leu; replaces proline 968 with leucine.
Molecular consequence: missense variant.
Genome position (GRCh38, 1-based): chr1:1,046,257, C>T. VCF-style: chr1-1046257-C-T. GRCh37 (hg19) VCF-style: chr1-981637-C-T.
Other names: c.2903C>T, p.Pro968Leu (NM_001305275.2); c.2588C>T, p.Pro863Leu (NM_001364727.2); short protein forms P863L, P968L.
Identifiers: ClinVar variation 650436 (VCV000650436.9), dbSNP rs772386655, ClinGen allele CA508853.
Genomic context (GRCh38, chr1:1,046,257, plus strand): 5'-GTCAGCTGAAGACCATCGCCTGCCGCCAGGGCCTGCAAATCTCTATCCAGAGCCTGGGCC[C>T]GTGCCAGGGTGAGGCCTGACGGCCACTGCCCCAGAACTGACCAGGAAGGCCTGACGCTGC-3'
Protein context (NP_940978.2, residues 958-978): GLQISIQSLG[Pro968Leu]CQEAVAPSTH